The following is an entry in ClinVar:

ClinVar aggregate classification (germline): Pathogenic (1 of 4 stars; one submission).

Submission:

GeneDx
Classification: Pathogenic. Last evaluated: 2015-06-04. Review status: criteria provided, single submitter. Criteria: GeneDx Variant Classification (06012015). Collection method: clinical testing. Allele origin: germline. Affected: yes.
Comment: The c.1070_1071delCCinsAA variant in the MKKS gene has not been reported previously as a pathogenic variant nor as a benign polymorphism, to our knowledge. The c.1070_1071delCCinsAA variantwas not observed in approximately 6500 individuals of European and African American ancestry in theNHLBI Exome Sequencing Project, indicating it is not a common variant in these populations. Thec.1070_1071delCCinsAA variant results in the deletion of two nucleotides (CC) and insertion of twonucleotides (AA) in exon 4 of the MKKS gene, changing the codon Serine 357 to a stop codon (S357X).This variant is predicted to cause loss of normal protein function either through protein truncation ornonsense-mediated mRNA decay. We interpret c.1070_1071delCCinsAA as a pathogenic variant.

NM_170784.3(MKKS):c.1070_1071delinsAA (p.Ser357Ter)

Gene: MKKS (MKKS centrosomal shuttling protein; minus strand). Cytogenetic location: 20p12.2.
Variant type: Indel.
Coding change: c.1070_1071delinsAA on transcript NM_170784.3 (MANE Select); coding-DNA positions 1070 to 1071, CC replaced by AA.
Protein change: p.Ser357Ter; replaces serine 357 with a stop codon.
Molecular consequence: nonsense. On other transcripts: non-coding transcript variant (1).
Genome position (GRCh38, 1-based): chr20:10,408,718-10,408,719, GG replaced by TT on the plus strand (CC replaced by AA on the coding strand, the reverse complement: MKKS is on the minus strand). VCF-style: chr20-10408718-GG-TT. GRCh37 (hg19) VCF-style: chr20-10389366-GG-TT.
Other names: c.1070_1071delinsAA, p.Ser357Ter (NM_018848.3); c.1070_1071delCCinsAA (NM_018848.3); short protein forms S357*.
Identifiers: ClinVar variation 419200 (VCV000419200.1), dbSNP rs1064793714, ClinGen allele CA16620915.